The following is an entry in ClinVar:

ClinVar aggregate classification (germline): Likely benign. Review status: criteria provided, multiple submitters, no conflicts (2 of 4 stars). 3 submissions from 3 submitters: Likely benign (2). 1 of the submissions does not count toward it. Last evaluated 2025-11-12.

Conditions:
Hereditary spastic paraplegia 49 (HSAN9). Also called: TECPR2-Related Hereditary Sensory and Autonomic Neuropathy with Intellectual Disability; Spastic paraplegia 49, autosomal recessive; NEUROPATHY, HEREDITARY SENSORY AND AUTONOMIC, TYPE IX, WITH DEVELOPMENTAL DELAY. Identifiers: Orphanet 320385, MedGen C5190860, MONDO:0014016, OMIM 615031.

Allele frequency attached by ClinVar (database versions not stated): TOPMed 0.00005; ExAC 0.00007; gnomAD 0.00007; gnomAD exomes 0.00007.
gnomAD v4.1: 68 of 1,596,642 alleles (0.0043%); highest among the groups gnomAD compares: Middle Eastern, 0.066%; no homozygotes.

Submissions (3):

Labcorp Genetics (formerly Invitae), Labcorp
Classification: Likely benign for Hereditary spastic paraplegia 49. Last evaluated: 2025-11-12. Review status: criteria provided, single submitter. Criteria: Invitae Variant Classification Sherloc (09022015). Collection method: clinical testing. Allele origin: germline.

Mayo Clinic Laboratories, Mayo Clinic
Classification: Likely benign. Last evaluated: 2025-06-30. Review status: criteria provided, single submitter. Criteria: ACMG Guidelines, 2015. Collection method: clinical testing. Allele origin: germline. Observed: 1 variant allele.
Comment: BP4, BP7

Natera, Inc.
Classification: Likely benign for Autosomal recessive spastic paraplegia type 49. Last evaluated: 2020-09-15. Review status: no assertion criteria provided. Collection method: clinical testing. Allele origin: germline. Not counted in ClinVar's aggregate classification.

NM_014844.5(TECPR2):c.4081+10C>T

Gene: TECPR2 (tectonin beta-propeller repeat containing 2; plus strand). Cytogenetic location: 14q32.31.
Variant type: single nucleotide variant.
Coding change: c.4081+10C>T on transcript NM_014844.5 (MANE Select); 10 bases into the intron after coding-DNA position 4081, C replaced by T.
Molecular consequence: intron variant.
Genome position (GRCh38, 1-based): chr14:102,497,729, C>T. VCF-style: chr14-102497729-C-T. GRCh37 (hg19) VCF-style: chr14-102964066-C-T.
Other names: p.?.
Identifiers: ClinVar variation 698515 (VCV000698515.15), dbSNP rs745954864, ClinGen allele CA7358457.